The following is an entry in ClinVar:

ClinVar aggregate classification (germline): Uncertain significance (1 of 4 stars; one submission).

Allele frequency attached by ClinVar (database versions not stated): gnomAD exomes below 0.00001.
gnomAD v4.1: 4 of 1,611,970 alleles (0.00025%); highest among the groups gnomAD compares: Non-Finnish European, 0.00034%; no homozygotes.

Submission:

Labcorp Genetics (formerly Invitae), Labcorp
Classification: Uncertain significance. Last evaluated: 2022-02-21. Review status: criteria provided, single submitter. Criteria: Invitae Variant Classification Sherloc (09022015). Collection method: clinical testing. Allele origin: germline.
Comment: In summary, the available evidence is currently insufficient to determine the role of this variant in disease. Therefore, it has been classified as a Variant of Uncertain Significance. This sequence change replaces isoleucine, which is neutral and non-polar, with valine, which is neutral and non-polar, at codon 1114 of the TRIOBP protein (p.Ile1114Val). This variant is present in population databases (no rsID available, gnomAD 0.002%). This variant has not been reported in the literature in individuals affected with TRIOBP-related conditions. Algorithms developed to predict the effect of missense changes on protein structure and function are either unavailable or do not agree on the potential impact of this missense change (SIFT: "Deleterious"; PolyPhen-2: "Probably Damaging"; Align-GVGD: "Class C0").

NM_001039141.3(TRIOBP):c.3340A>G (p.Ile1114Val)

Gene: TRIOBP (TRIO and F-actin binding protein; plus strand). Cytogenetic location: 22q13.1.
Variant type: single nucleotide variant.
Coding change: c.3340A>G on transcript NM_001039141.3 (MANE Select); coding-DNA position 3340, A replaced by G.
Protein change: p.Ile1114Val; replaces isoleucine 1114 with valine.
Molecular consequence: missense variant.
Genome position (GRCh38, 1-based): chr22:37,725,896, A>G. VCF-style: chr22-37725896-A-G. GRCh37 (hg19) VCF-style: chr22-38121903-A-G.
Other names: short protein forms I1114V.
Identifiers: ClinVar variation 2101087 (VCV002101087.4), dbSNP rs1437187243, ClinGen allele CA411479024.